The following is an entry in ClinVar:

NM_014003.4(DHX38):c.832del (p.Ala278fs)

Gene: DHX38 (DEAH-box helicase 38; plus strand). Cytogenetic location: 16q22.2.
Variant type: Deletion.
Coding change: c.832del on transcript NM_014003.4 (MANE Select); coding-DNA position 832, one base deleted (G; older notation c.832delG).
Protein change: p.Ala278fs; shifts the reading frame from alanine 278.
Molecular consequence: frameshift variant.
Genome position (GRCh38, 1-based): chr16:72,098,994, G deleted; the last of 3 consecutive G bases (chr16:72,098,992-72,098,994); deleting any one gives the same sequence. VCF-style (leftmost placement, unchanged base first): chr16-72098991-TG-T. GRCh37 (hg19) VCF-style: chr16-72132890-TG-T.
Other names: short protein forms A278fs.
Identifiers: ClinVar variation 1950841 (VCV001950841.5), dbSNP rs2042059745, ClinGen allele CA978814771.

ClinVar aggregate classification (germline): Uncertain significance (1 of 4 stars; one submission).

Submission:

Labcorp Genetics (formerly Invitae), Labcorp
Classification: Uncertain significance. Last evaluated: 2022-10-13. Review status: criteria provided, single submitter. Criteria: Invitae Variant Classification Sherloc (09022015). Collection method: clinical testing. Allele origin: germline.
Comment: This sequence change creates a premature translational stop signal (p.Ala278Profs*51) in the DHX38 gene. It is expected to result in an absent or disrupted protein product. However, the current clinical and genetic evidence is not sufficient to establish whether loss-of-function variants in DHX38 cause disease. This variant is not present in population databases (gnomAD no frequency). This variant has not been reported in the literature in individuals affected with DHX38-related conditions. In summary, the available evidence is currently insufficient to determine the role of this variant in disease. Therefore, it has been classified as a Variant of Uncertain Significance.